The following is an entry in ClinVar:

ClinVar aggregate classification (germline): Uncertain significance (1 of 4 stars; one submission).

Submission:

Labcorp Genetics (formerly Invitae), Labcorp
Classification: Uncertain significance. Last evaluated: 2025-09-03. Review status: criteria provided, single submitter. Criteria: Invitae Variant Classification Sherloc (09022015). Collection method: clinical testing. Allele origin: germline.
Comment: This sequence change replaces glutamic acid, which is acidic and polar, with glutamine, which is neutral and polar, at codon 160 of the IFT88 protein (p.Glu160Gln). This variant is present in population databases (rs139866950, gnomAD 0.0009%). This variant has not been reported in the literature in individuals affected with IFT88-related conditions. An algorithm developed to predict the effect of missense changes on protein structure and function (PolyPhen-2) suggests that this variant is likely to be tolerated. In summary, the available evidence is currently insufficient to determine the role of this variant in disease. Therefore, it has been classified as a Variant of Uncertain Significance.

NM_006531.5(IFT88):c.451G>C (p.Glu151Gln)

Gene: IFT88 (intraflagellar transport 88; plus strand). Cytogenetic location: 13q12.11.
Variant type: single nucleotide variant.
Coding change: c.451G>C on transcript NM_006531.5 (MANE Select); coding-DNA position 451, G replaced by C.
Protein change: p.Glu151Gln; replaces glutamic acid 151 with glutamine.
Molecular consequence: missense variant. On other transcripts: 5 prime UTR variant (1), non-coding transcript variant (5).
Genome position (GRCh38, 1-based): chr13:20,596,202, G>C. VCF-style: chr13-20596202-G-C. GRCh37 (hg19) VCF-style: chr13-21170341-G-C.
Other names: c.394G>C, p.Glu132Gln (NM_001318491.2, NM_001353573.2, NM_001353574.2 and 1 more transcripts); c.478G>C, p.Glu160Gln (NM_001318493.2, NM_001353565.2, NM_001353566.2 and 6 more transcripts); c.451G>C, p.Glu151Gln (NM_001353568.2, NM_001353571.2, NM_001353572.2 and 1 more transcripts); c.-183G>C (NM_001353579.2); short protein forms E132Q, E160Q, E151Q.
Identifiers: ClinVar variation 4772476 (VCV004772476.1).
Genomic context (GRCh38, chr13:20,596,202, plus strand): 5'-TTTAATAGCCCAGAGGAAAAAATAAAGCAATTAGAGAAGGAAGTAAATGAGTTGGTAGAA[G>C]AAAGCTGTATTGCCAATAGTTGTGGAGACTTAAAATTGGTAAGTTCATAAACAAGATTCA-3'
Protein context (NP_006522.2, residues 141-161): LEKEVNELVE[Glu151Gln]SCIANSCGDL